The following is an entry in ClinVar:

ClinVar aggregate classification (germline): Pathogenic. Review status: criteria provided, multiple submitters, no conflicts (2 of 4 stars). 2 submissions from 2 submitters: Pathogenic (2). Last evaluated 2024-03-22.

Conditions:
Metachromatic leukodystrophy (MLD). Also called: Cerebral sclerosis diffuse metachromatic form; METACHROMATIC LEUKOENCEPHALOPATHY; Arylsulfatase A Deficiency; SULFATIDE LIPIDOSIS; ARSA DEFICIENCY; CEREBROSIDE SULFATASE DEFICIENCY. Identifiers: Orphanet 512, MedGen C0023522, MONDO:0018868, OMIM 250100.

Submissions (2):

Natera, Inc.
Classification: Pathogenic for Metachromatic leukodystrophy. Last evaluated: 2024-03-22. Review status: criteria provided, single submitter. Criteria: Natera Variant Classification Schema (03/2026). Collection method: clinical testing. Allele origin: germline.
Comment: The c.1107+1G>T variant in ARSA is a canonical splice donor site variant predicted to affect pre-mRNA splicing, which may result in an abnormal transcript and altered protein product. This variant is expected to result in nonsense mediated decay, truncation, or a dysfunctional protein product. This variant is rare in the general population with a frequency below the threshold expected for the associated phenotype(s). This variant has been observed in one or more individuals affected with the associated recessive disease, as either homozygous or compound heterozygous with a second variant (PMID: 20890085). Functional studies show that this variant may disrupt protein function (PMID: 26553228). Given the available evidence, this variant is classified as Pathogenic.

Labcorp Genetics (formerly Invitae), Labcorp
Classification: Pathogenic for Metachromatic leukodystrophy. Last evaluated: 2020-06-01. Review status: criteria provided, single submitter. Criteria: Invitae Variant Classification Sherloc (09022015). Collection method: clinical testing. Allele origin: germline.
Comment: This sequence change affects a donor splice site in intron 6 of the ARSA gene. It is expected to disrupt RNA splicing and likely results in an absent or disrupted protein product. This variant is not present in population databases (ExAC no frequency). This variant has been observed in combination with another ARSA variant in a family affected with metachromatic leukodystrophy (PMID: 20890085). This variant is also known as 1101+1G>T in the literature. Algorithms developed to predict the effect of sequence changes on RNA splicing suggest that this variant may disrupt the consensus splice site, but this prediction has not been confirmed by published transcriptional studies. Donor and acceptor splice site variants typically lead to a loss of protein function (PMID: 16199547), and loss-of-function variants in ARSA are known to be pathogenic (PMID: 8962139, 10477432). For these reasons, this variant has been classified as Pathogenic.

Literature cited by the submitters: PubMed 20890085 (cited by Natera, Inc. and Labcorp Genetics (formerly Invitae), Labcorp); PubMed 26553228 (cited by Natera, Inc.); PubMed 16199547 (cited by Labcorp Genetics (formerly Invitae), Labcorp); PubMed 8962139 (cited by Labcorp Genetics (formerly Invitae), Labcorp); PubMed 10477432 (cited by Labcorp Genetics (formerly Invitae), Labcorp).

NM_000487.6(ARSA):c.1107+1G>T

Gene: ARSA (arylsulfatase A; minus strand). Cytogenetic location: 22q13.33.
Variant type: single nucleotide variant.
Coding change: c.1107+1G>T on transcript NM_000487.6 (MANE Select); the canonical splice donor site of the intron after coding-DNA position 1107, G replaced by T.
Molecular consequence: splice donor variant.
Genome position (GRCh38, 1-based): chr22:50,625,935, C>A on the plus strand (G>T on the coding strand, the complement: ARSA is on the minus strand). VCF-style: chr22-50625935-C-A. GRCh37 (hg19) VCF-style: chr22-51064363-C-A.
Other names: c.1107+1G>T (NM_000487.5, NM_001085427.3, NM_001085426.3 and 1 more transcripts); c.849+1G>T (NM_001362782.2, NM_001085428.3).
Identifiers: ClinVar variation 1070652 (VCV001070652.10), dbSNP rs2146718906, ClinGen allele CA412171081.